The following is an entry in ClinVar:

NM_006766.5(KAT6A):c.4453T>A (p.Ser1485Thr)

Gene: KAT6A (lysine acetyltransferase 6A; minus strand). Cytogenetic location: 8p11.21.
Variant type: single nucleotide variant.
Coding change: c.4453T>A on transcript NM_006766.5 (MANE Select); coding-DNA position 4453, T replaced by A.
Protein change: p.Ser1485Thr; replaces serine 1485 with threonine.
Molecular consequence: missense variant.
Genome position (GRCh38, 1-based): chr8:41,933,767, A>T on the plus strand (T>A on the coding strand, the complement: KAT6A is on the minus strand). VCF-style: chr8-41933767-A-T. GRCh37 (hg19) VCF-style: chr8-41791285-A-T.
Other names: short protein forms S1485T.
Identifiers: ClinVar variation 3531858 (VCV003531858.3).

ClinVar aggregate classification (germline): Uncertain significance. Review status: criteria provided, multiple submitters, no conflicts (2 of 4 stars). 2 submissions from 2 submitters: Uncertain significance (2). Last evaluated 2024-11-11.

Conditions:
Inborn genetic diseases. Identifiers: MedGen C0950123, MeSH D030342.

gnomAD v4.1: 8 of 1,614,080 alleles (0.0005%); highest among the groups gnomAD compares: Non-Finnish European, 0.00068%; no homozygotes.

Submissions (2):

Ambry Genetics
Classification: Uncertain significance for Inborn genetic diseases. Last evaluated: 2024-11-11. Review status: criteria provided, single submitter. Criteria: Ambry Variant Classification Scheme 2023. Collection method: clinical testing. Allele origin: germline.

Labcorp Genetics (formerly Invitae), Labcorp
Classification: Uncertain significance. Last evaluated: 2024-07-12. Review status: criteria provided, single submitter. Criteria: Invitae Variant Classification Sherloc (09022015). Collection method: clinical testing. Allele origin: germline.
Comment: This sequence change replaces serine, which is neutral and polar, with threonine, which is neutral and polar, at codon 1485 of the KAT6A protein (p.Ser1485Thr). This variant is not present in population databases (gnomAD no frequency). This variant has not been reported in the literature in individuals affected with KAT6A-related conditions. Advanced modeling of protein sequence and biophysical properties (such as structural, functional, and spatial information, amino acid conservation, physicochemical variation, residue mobility, and thermodynamic stability) performed at Invitae indicates that this missense variant is not expected to disrupt KAT6A protein function with a negative predictive value of 80%. In summary, the available evidence is currently insufficient to determine the role of this variant in disease. Therefore, it has been classified as a Variant of Uncertain Significance.